The following is an entry in ClinVar:

ClinVar aggregate classification (germline): Uncertain significance (1 of 4 stars; one submission).

Conditions:
Mitochondrial complex II deficiency, nuclear type 1. Also called: SUCCINATE CoQ REDUCTASE DEFICIENCY. Identifiers: Orphanet 3208, MedGen C5700310, MONDO:0100294, OMIM 252011.
Pheochromocytoma/paraganglioma syndrome 5. Also called: Paragangliomas 5; SDHA-Related Hereditary Paraganglioma-Pheochromocytoma Syndrome. Identifiers: Orphanet 29072, MedGen C3279992, MONDO:0013602, OMIM 614165.

Submission:

Labcorp Genetics (formerly Invitae), Labcorp
Classification: Uncertain significance for Pheochromocytoma/paraganglioma syndrome 5; Mitochondrial complex II deficiency, nuclear type 1. Last evaluated: 2022-12-23. Review status: criteria provided, single submitter. Criteria: Invitae Variant Classification Sherloc (09022015). Collection method: clinical testing. Allele origin: germline.
Comment: In summary, the available evidence is currently insufficient to determine the role of this variant in disease. Therefore, it has been classified as a Variant of Uncertain Significance. Advanced modeling of protein sequence and biophysical properties (such as structural, functional, and spatial information, amino acid conservation, physicochemical variation, residue mobility, and thermodynamic stability) has been performed at Invitae for this missense variant, however the output from this modeling did not meet the statistical confidence thresholds required to predict the impact of this variant on SDHA protein function. This variant has not been reported in the literature in individuals affected with SDHA-related conditions. This variant is not present in population databases (gnomAD no frequency). This sequence change replaces leucine, which is neutral and non-polar, with phenylalanine, which is neutral and non-polar, at codon 74 of the SDHA protein (p.Leu74Phe).

NM_004168.4(SDHA):c.222G>C (p.Leu74Phe)

Gene: SDHA (succinate dehydrogenase complex flavoprotein subunit A; plus strand). Cytogenetic location: 5p15.33.
Variant type: single nucleotide variant.
Coding change: c.222G>C on transcript NM_004168.4 (MANE Select); coding-DNA position 222, G replaced by C.
Protein change: p.Leu74Phe; replaces leucine 74 with phenylalanine.
Molecular consequence: missense variant.
Genome position (GRCh38, 1-based): chr5:224,431, G>C. VCF-style: chr5-224431-G-C. GRCh37 (hg19) VCF-style: chr5-224546-G-C.
Other names: c.222G>C, p.Leu74Phe (NM_001294332.2, NM_001330758.2); short protein forms L74F.
Identifiers: ClinVar variation 1992161 (VCV001992161.4), dbSNP rs2126542762, ClinGen allele CA359008515.